The following is an entry in ClinVar:

ClinVar aggregate classification (germline): Pathogenic (1 of 4 stars; one submission).

Conditions:
Niemann-Pick disease, type A. Also called: SPHINGOMYELIN LIPIDOSIS; SPHINGOMYELINASE DEFICIENCY; Infantile Neurovisceral ASMD (Niemann-Pick Disease Type A; NPD-A). Identifiers: Orphanet 77292, MedGen C0268242, MONDO:0009756, OMIM 257200. Disease mechanism: loss of function.
Niemann-Pick disease, type B. Also called: Chronic Visceral ASMD (Niemann-Pick Disease Type B; NPD-B). Identifiers: Orphanet 77293, MedGen C0268243, MONDO:0011871, OMIM 607616. Disease mechanism: loss of function.

Submission:

Labcorp Genetics (formerly Invitae), Labcorp
Classification: Pathogenic for Niemann-Pick disease, type B; Niemann-Pick disease, type A. Last evaluated: 2023-04-06. Review status: criteria provided, single submitter. Criteria: Invitae Variant Classification Sherloc (09022015). Collection method: clinical testing. Allele origin: germline.
Comment: For these reasons, this variant has been classified as Pathogenic. This variant disrupts a region of the SMPD1 protein in which other variant(s) (p.Arg610del) have been determined to be pathogenic (PMID: 1885770, 8225311, 12694237, 19405096, 23252888, 24643943). This suggests that this is a clinically significant region of the protein, and that variants that disrupt it are likely to be disease-causing. ClinVar contains an entry for this variant (Variation ID: 1430049). This variant has not been reported in the literature in individuals affected with SMPD1-related conditions. This variant is not present in population databases (gnomAD no frequency). This sequence change creates a premature translational stop signal (p.Asn549Glnfs*30) in the SMPD1 gene. While this is not anticipated to result in nonsense mediated decay, it is expected to disrupt the last 83 amino acid(s) of the SMPD1 protein.

Literature cited by the submitters: PubMed 1885770; PubMed 8225311; PubMed 12694237; PubMed 19405096; PubMed 23252888; PubMed 24643943.

NM_000543.5(SMPD1):c.1643_1644insA (p.Asn549fs)

Gene: SMPD1 (sphingomyelin phosphodiesterase 1; plus strand). Cytogenetic location: 11p15.4.
Variant type: Insertion.
Coding change: c.1643_1644insA on transcript NM_000543.5 (MANE Select); coding-DNA positions 1643 to 1644, A inserted.
Protein change: p.Asn549fs; shifts the reading frame from asparagine 549.
Molecular consequence: frameshift variant. On other transcripts: 3 prime UTR variant (1), non-coding transcript variant (2).
Genome position: GRCh38 VCF-style: chr11-6394354-C-CA. GRCh37 (hg19) VCF-style: chr11-6415584-C-CA.
Other names: c.1640_1641insA, p.Asn548fs (NM_001007593.3); c.*136_*137insA (NM_001318087.2); c.722_723insA, p.Asn242fs (NM_001318088.2); c.1511_1512insA, p.Asn505fs (NM_001365135.2); short protein forms N548fs, N549fs, N242fs, N505fs.
Identifiers: ClinVar variation 1430049 (VCV001430049.6), dbSNP rs2134023663, ClinGen allele CA2573147229.